The following is an entry in ClinVar:

ClinVar aggregate classification (germline): Uncertain significance (1 of 4 stars; one submission).

Conditions:
STING-associated vasculopathy with onset in infancy. Also called: Sting-associated vasculopathy, infantile-onset. Identifiers: Orphanet 425120, MedGen C4014722, MONDO:0014405, OMIM 615934.

gnomAD v4.1: 11 of 1,613,876 alleles (0.00068%); highest among the groups gnomAD compares: African/African-American, 0.015%; no homozygotes.

Submission:

Labcorp Genetics (formerly Invitae), Labcorp
Classification: Uncertain significance for STING-associated vasculopathy with onset in infancy. Last evaluated: 2025-07-16. Review status: criteria provided, single submitter. Criteria: Invitae Variant Classification Sherloc (09022015). Collection method: clinical testing. Allele origin: germline.
Comment: This sequence change creates a premature translational stop signal (p.Glu143*) in the TMEM173 gene. It is expected to result in an absent or disrupted protein product. However, the current clinical and genetic evidence is not sufficient to establish whether loss-of-function variants in TMEM173 cause disease. This variant is present in population databases (no rsID available, gnomAD 0.01%). This variant has not been reported in the literature in individuals affected with TMEM173-related conditions. Algorithms developed to predict the effect of sequence changes on RNA splicing suggest that this variant may disrupt the consensus splice site. In summary, the available evidence is currently insufficient to determine the role of this variant in disease. Therefore, it has been classified as a Variant of Uncertain Significance.

NM_198282.4(STING1):c.427G>T (p.Glu143Ter)

Gene: STING1 (stimulator of interferon response cGAMP interactor 1; minus strand). Cytogenetic location: 5q31.2.
Variant type: single nucleotide variant.
Coding change: c.427G>T on transcript NM_198282.4 (MANE Select); coding-DNA position 427, G replaced by T.
Protein change: p.Glu143Ter; replaces glutamic acid 143 with a stop codon.
Molecular consequence: nonsense.
Genome position (GRCh38, 1-based): chr5:139,480,883, C>A on the plus strand (G>T on the coding strand, the complement: STING1 is on the minus strand). VCF-style: chr5-139480883-C-A. GRCh37 (hg19) VCF-style: chr5-138860468-C-A.
Other names: c.427G>T, p.Glu143Ter (NM_001301738.2); c.70G>T, p.Glu24Ter (NM_001367258.1); short protein forms E24*, E143*.
Identifiers: ClinVar variation 4737708 (VCV004737708.1).